The following is an entry in ClinVar:

NM_152618.3(BBS12):c.709T>C (p.Phe237Leu)

Gene: BBS12 (Bardet-Biedl syndrome 12; plus strand). Cytogenetic location: 4q27.
Variant type: single nucleotide variant.
Coding change: c.709T>C on transcript NM_152618.3 (MANE Select); coding-DNA position 709, T replaced by C.
Protein change: p.Phe237Leu; replaces phenylalanine 237 with leucine.
Molecular consequence: missense variant.
Genome position (GRCh38, 1-based): chr4:122,742,601, T>C. VCF-style: chr4-122742601-T-C. GRCh37 (hg19) VCF-style: chr4-123663756-T-C.
Other names: c.709T>C, p.Phe237Leu (NM_001178007.2); short protein forms F237L.
Identifiers: ClinVar variation 1920933 (VCV001920933.2), dbSNP rs1252473922, ClinGen allele CA358223520.

ClinVar aggregate classification (germline): Uncertain significance (1 of 4 stars; one submission).

Conditions:
Bardet-Biedl syndrome (BBS). Identifiers: Orphanet 110, MedGen C0752166, MONDO:0015229.

Allele frequency attached by ClinVar (database versions not stated): gnomAD exomes below 0.00001; gnomAD 0.00001; TOPMed 0.00001.
gnomAD v4.1: 4 of 1,614,044 alleles (0.00025%); highest among the groups gnomAD compares: Non-Finnish European, 0.00034%; no homozygotes.

Submission:

Labcorp Genetics (formerly Invitae), Labcorp
Classification: Uncertain significance for Bardet-Biedl syndrome. Last evaluated: 2022-05-12. Review status: criteria provided, single submitter. Criteria: Invitae Variant Classification Sherloc (09022015). Collection method: clinical testing. Allele origin: germline.
Comment: This sequence change replaces phenylalanine, which is neutral and non-polar, with leucine, which is neutral and non-polar, at codon 237 of the BBS12 protein (p.Phe237Leu). This variant is present in population databases (no rsID available, gnomAD 0.007%). This variant has not been reported in the literature in individuals affected with BBS12-related conditions. Algorithms developed to predict the effect of missense changes on protein structure and function output the following: SIFT: "Tolerated"; PolyPhen-2: "Benign"; Align-GVGD: "Class C0". The leucine amino acid residue is found in multiple mammalian species, which suggests that this missense change does not adversely affect protein function. In summary, the available evidence is currently insufficient to determine the role of this variant in disease. Therefore, it has been classified as a Variant of Uncertain Significance.